The following is an entry in ClinVar:

NM_001386140.1(MTTP):c.546del (p.Asp183fs)

Gene: MTTP (microsomal triglyceride transfer protein; plus strand). Cytogenetic location: 4q23.
Variant type: Deletion.
Coding change: c.546del on transcript NM_001386140.1 (MANE Select); coding-DNA position 546, one base deleted (A; older notation c.546delA).
Protein change: p.Asp183fs; shifts the reading frame from aspartic acid 183.
Molecular consequence: frameshift variant.
Genome position (GRCh38, 1-based): chr4:99,591,279, A deleted; the last of 2 consecutive A bases (chr4:99,591,278-99,591,279); deleting either gives the same sequence. VCF-style (leftmost placement, unchanged base first): chr4-99591277-CA-C. GRCh37 (hg19) VCF-style: chr4-100512434-CA-C.
Other names: c.546del, p.Asp183fs (NM_000253.4); c.297del, p.Asp100fs (NM_001300785.2); short protein forms D100fs, D183fs.
Identifiers: ClinVar variation 1724604 (VCV001724604.2), dbSNP rs2476106449, ClinGen allele CA2580071882.

ClinVar aggregate classification (germline): Likely pathogenic (1 of 4 stars; one submission).

Conditions:
Abetalipoproteinaemia (ABL). Also called: Abetalipoproteinemia; Abetalipoproteinemia neuropathy; Apolipoprotein B deficiency; Congenital betalipoprotein deficiency syndrome; MTP DEFICIENCY. Identifiers: Orphanet 14, MedGen C0000744, MONDO:0008692, OMIM 200100, HP:0008181.

Submission:

Myriad Genetics, Inc.
Classification: Likely pathogenic for Abetalipoproteinaemia. Last evaluated: 2021-11-15. Review status: criteria provided, single submitter. Criteria: Myriad Women's Health Autosomal Recessive and X-Linked Classification Criteria (2021). Collection method: clinical testing. Allele origin: unknown.
Comment: NM_000253.2(MTTP):c.546delA(D183Tfs*3) is expected to be pathogenic in the context of abetalipoproteinemia. This variant is predicted to lead to an abnormal or absent protein product due to the creation of a premature termination codon in MTTP, a gene where loss-of-function variants are known to be pathogenic. Please note: this variant was assessed in the context of healthy population screening.